The following is an entry in ClinVar:

NM_024649.5(BBS1):c.346_347dup (p.Asn117fs)

Gene: BBS1 (Bardet-Biedl syndrome 1; plus strand). Cytogenetic location: 11q13.2.
Variant type: Duplication.
Coding change: c.346_347dup on transcript NM_024649.5 (MANE Select); coding-DNA positions 346 to 347, 2 bases duplicated (AA; older notation c.346_347dupAA).
Protein change: p.Asn117fs; shifts the reading frame from asparagine 117.
Molecular consequence: frameshift variant.
Genome position (GRCh38, 1-based): chr11:66,514,592-66,514,593, AA duplicated. VCF-style (leftmost placement, unchanged base first): chr11-66514591-T-TAA. GRCh37 (hg19) VCF-style: chr11-66282062-T-TAA.
Other names: short protein forms N117fs.
Identifiers: ClinVar variation 2708846 (VCV002708846.3), dbSNP rs2495736709, ClinGen allele CA2697548713.

ClinVar aggregate classification (germline): Pathogenic (1 of 4 stars; one submission).

Conditions:
Bardet-Biedl syndrome (BBS). Identifiers: Orphanet 110, MedGen C0752166, MONDO:0015229.

Submission:

Labcorp Genetics (formerly Invitae), Labcorp
Classification: Pathogenic for Bardet-Biedl syndrome. Last evaluated: 2024-01-11. Review status: criteria provided, single submitter. Criteria: Invitae Variant Classification Sherloc (09022015). Collection method: clinical testing. Allele origin: germline.
Comment: This sequence change creates a premature translational stop signal (p.Asn117Argfs*35) in the BBS1 gene. It is expected to result in an absent or disrupted protein product. Loss-of-function variants in BBS1 are known to be pathogenic (PMID: 12118255, 21520335, 27032803). This variant is not present in population databases (gnomAD no frequency). This variant has not been reported in the literature in individuals affected with BBS1-related conditions. For these reasons, this variant has been classified as Pathogenic.

Literature cited by the submitters: PubMed 12118255; PubMed 21520335; PubMed 27032803.